The following is an entry in ClinVar:

ClinVar aggregate classification (germline): Benign/Likely benign. Review status: criteria provided, multiple submitters, no conflicts (2 of 4 stars). 2 submissions from 2 submitters: Benign (1); Likely benign (1). Last evaluated 2025-02-16.

Conditions:
Leigh syndrome (NULS). Also called: Leigh's necrotizing encephalopathy; Leigh's disease; Leigh Syndrome (mtDNA deletion); Leigh Disease; Subacute necrotizing encephalopathy; Necrotizing encephalopathy infantile subacute of Leigh. Identifiers: Orphanet 506, MedGen C2931891, MONDO:0009723, OMIM 256000.

Submissions (2):

Laboratory of Genetics, Children's Clinical University Hospital Latvia
Classification: Likely benign. Last evaluated: 2025-02-16. Review status: criteria provided, single submitter. Criteria: ACMG Guidelines, 2015. Collection method: clinical testing. Allele origin: germline. Affected: yes.

Wong Mito Lab, Molecular and Human Genetics, Baylor College of Medicine
Classification: Benign for Leigh syndrome. Last evaluated: 2019-10-17. Review status: criteria provided, single submitter. Criteria: Modified ACMG Guidelines (Unpublished). Collection method: clinical testing. Allele origin: germline.
Comment: The NC_012920.1:m.7278T>C (YP_003024028.1:p.Phe459Leu) variant in MTCO1 gene is interpretated to be a Benign variant based on the modified ACMG guidelines (unpublished). This variant meets the following evidence codes: BS1, BS2, BP4

NC_012920.1(MT-CO1):m.7278T>C

Gene: MT-CO1 (mitochondrially encoded cytochrome c oxidase I; plus strand).
Variant type: single nucleotide variant.
Genome position: chrM-7278-T-C.
Identifiers: ClinVar variation 692726 (VCV000692726.2), dbSNP rs1556423264, ClinGen allele CA414792193.